The following is an entry in ClinVar:

ClinVar aggregate classification (germline): Uncertain significance (1 of 4 stars; one submission).

gnomAD v4.1: 2 of 1,613,986 alleles (0.00012%); highest among the groups gnomAD compares: Non-Finnish European, 0.00017%; no homozygotes.

Submission:

Labcorp Genetics (formerly Invitae), Labcorp
Classification: Uncertain significance. Last evaluated: 2021-12-02. Review status: criteria provided, single submitter. Criteria: Invitae Variant Classification Sherloc (09022015). Collection method: clinical testing. Allele origin: germline.
Comment: This sequence change replaces glycine, which is neutral and non-polar, with arginine, which is basic and polar, at codon 1323 of the NBAS protein (p.Gly1323Arg). This variant is not present in population databases (gnomAD no frequency). This variant has not been reported in the literature in individuals affected with NBAS-related conditions. Algorithms developed to predict the effect of missense changes on protein structure and function (SIFT, PolyPhen-2, Align-GVGD) all suggest that this variant is likely to be disruptive. In summary, the available evidence is currently insufficient to determine the role of this variant in disease. Therefore, it has been classified as a Variant of Uncertain Significance.

NM_015909.4(NBAS):c.3967G>C (p.Gly1323Arg)

Gene: NBAS (NBAS subunit of NRZ tethering complex; minus strand). Cytogenetic location: 2p24.3.
Variant type: single nucleotide variant.
Coding change: c.3967G>C on transcript NM_015909.4 (MANE Select); coding-DNA position 3967, G replaced by C.
Protein change: p.Gly1323Arg; replaces glycine 1323 with arginine.
Molecular consequence: missense variant. On other transcripts: non-coding transcript variant (1).
Genome position (GRCh38, 1-based): chr2:15,353,675, C>G on the plus strand (G>C on the coding strand, the complement: NBAS is on the minus strand). VCF-style: chr2-15353675-C-G. GRCh37 (hg19) VCF-style: chr2-15493799-C-G.
Other names: short protein forms G1323R.
Identifiers: ClinVar variation 1378214 (VCV001378214.5), dbSNP rs2148304127, ClinGen allele CA345890401.